The following is an entry in ClinVar:

NM_173630.4(RTTN):c.2927T>C (p.Phe976Ser)

Gene: RTTN (rotatin; minus strand). Cytogenetic location: 18q22.2.
Variant type: single nucleotide variant.
Coding change: c.2927T>C on transcript NM_173630.4 (MANE Select); coding-DNA position 2927, T replaced by C.
Protein change: p.Phe976Ser; replaces phenylalanine 976 with serine.
Molecular consequence: missense variant.
Genome position (GRCh38, 1-based): chr18:70,134,500, A>G on the plus strand (T>C on the coding strand, the complement: RTTN is on the minus strand). VCF-style: chr18-70134500-A-G. GRCh37 (hg19) VCF-style: chr18-67801736-A-G.
Other names: c.191T>C, p.Phe64Ser (NM_001318520.2); short protein forms F976S, F64S.
Identifiers: ClinVar variation 265540 (VCV000265540.2), dbSNP rs886039611, ClinGen allele CA10588680.
Genomic context (GRCh38, chr18:70,134,500, plus strand): 5'-CCTTCAAGAAAATCAGAGAAATAAATCCTTTACCTTCTAAAAACGGAAACAGGCAAACTG[A>G]AGACCGATGGCAAAGAAGGTTTATTGGAAGGATTAACAGACCTATTTCATAAAAGAAAAA-3'
Protein context (NP_775901.3, residues 966-986): PSNKPSLPSV[Phe976Ser]SLPVSVFRRY

ClinVar aggregate classification (germline): Likely pathogenic (1 of 4 stars; one submission).

Allele frequency attached by ClinVar (database versions not stated): TOPMed below 0.00001.

Submission:

GeneDx
Classification: Likely pathogenic. Last evaluated: 2016-01-18. Review status: criteria provided, single submitter. Criteria: GeneDx Variant Classification (06012015). Collection method: clinical testing. Allele origin: germline. Affected: yes.
Comment: The F976S variant in the RTTN gene has not been reported previously as a pathogenic variant, nor as a benign variant, to our knowledge. The F976S variant was not observed in approximately 6000 individuals of European and African American ancestry in the NHLBI Exome Sequencing Project, indicating it is not a common benign variant in these populations. The F976S variant is a non-conservative amino acid substitution, which is likely to impact secondary protein structure as these residues differ in polarity, charge, size and/or other properties. This substitution occurs at a position that is conserved across species. In silico analysis predicts this variant is probably damaging to the protein structure/function. Based on the currently available information, the F976S variant is a strong candidate for a pathogenic variant, however the possibility it may be a rare benign variant cannot be excluded.